The following is an entry in ClinVar:

NM_000046.5(ARSB):c.116_123del (p.Ala39fs)

Genes: ARSB (arylsulfatase B; minus strand), LOC129994126 (ATAC-STARR-seq lymphoblastoid silent region 16127; plus strand). Cytogenetic location: 5q14.1.
Variant type: Deletion.
Coding change: c.116_123del on transcript NM_000046.5 (MANE Select); coding-DNA positions 116 to 123, 8 bases deleted (CCGGGGCC; older notation c.116_123delCCGGGGCC).
Protein change: p.Ala39fs; shifts the reading frame from alanine 39.
Molecular consequence: frameshift variant.
Genome position (GRCh38, 1-based): chr5:78,985,126-78,985,133, GGCCCCGG deleted on the plus strand (CCGGGGCC on the coding strand, the reverse complement: ARSB is on the minus strand). VCF-style (leftmost placement, unchanged base first): chr5-78985125-TGGCCCCGG-T. GRCh37 (hg19) VCF-style: chr5-78280948-TGGCCCCGG-T.
Other names: c.116_123del, p.Ala39fs (NM_198709.3); c.116_123delCCGGGGCC (NM_000046.5); short protein forms A39fs.
Identifiers: ClinVar variation 495377 (VCV000495377.2), dbSNP rs1554032243, ClinGen allele CA658683393.

ClinVar aggregate classification (germline): Pathogenic. Review status: criteria provided, multiple submitters, no conflicts (2 of 4 stars). 3 submissions from 3 submitters: Pathogenic (2). 1 of the submissions does not count toward it. Last evaluated 2018-01-01.

Conditions:
Mucopolysaccharidosis type 6 (MPS6). Also called: MPS VI; ARSB DEFICIENCY; ARYLSULFATASE B DEFICIENCY; N-ACETYLGALACTOSAMINE-4-SULFATASE DEFICIENCY; MPS 6; Maroteaux Lamy syndrome. Identifiers: Orphanet 583, MedGen C0026709, MONDO:0009661, OMIM 253200.

Submissions (3):

Laboratory of Diagnosis and Therapy of Lysosomal Disorders, University of Padova
Classification: Pathogenic for Mucopolysaccharidosis type 6. Last evaluated: 2018-01-01. Review status: criteria provided, single submitter. Criteria: ACMG Guidelines, 2015. Collection method: curation. Allele origin: germline. Affected: yes.
Comment: Frameshift variant (PVS1); In vitro functional studies supportive of a damaging effect on the gene product (low to no ARSB activity in homozygotes; PS3); Absent from GnomAD (PM2)

Women's Health and Genetics/Laboratory Corporation of America, LabCorp
Classification: Pathogenic for Mucopolysaccharidosis type 6. Last evaluated: 2016-05-19. Review status: criteria provided, single submitter. Criteria: LabCorp Variant Classification Summary - May 2015. Collection method: clinical testing. Allele origin: germline.
Comment: Variant summary: The ARSB c.116_123delCCGGGGCC (p.Ala39Glufs) variant results in a premature termination codon, predicted to cause a truncated or absent ARSB protein due to nonsense mediated decay, which are commonly known mechanisms for disease. Truncations downstream of this position have been classified as pathogenic in ClinVar (e.g.c.238delG/p.Val80Cysfs). One in silico tool predicts a damaging outcome for this variant. This variant has been reported in at least one MPS6 patient without detectable ARSB protein or activity. The variant is absent in 38156 control chromosomes. Taken together, this variant is classified as pathogenic.

Natera, Inc.
Classification: Pathogenic for Mucopolysaccharidosis type VI. Last evaluated: 2020-09-16. Review status: no assertion criteria provided. Collection method: clinical testing. Allele origin: germline. Not counted in ClinVar's aggregate classification.

Literature cited by the submitters: PubMed 17458871 (cited by Laboratory of Diagnosis and Therapy of Lysosomal Disorders, University of Padova and Women's Health and Genetics/Laboratory Corporation of America, LabCorp); PubMed 30118150 (cited by Laboratory of Diagnosis and Therapy of Lysosomal Disorders, University of Padova).